The following is an entry in ClinVar:

ClinVar aggregate classification (germline): Uncertain significance. Review status: criteria provided, multiple submitters, no conflicts (2 of 4 stars). 2 submissions from 2 submitters: Uncertain significance (2). Last evaluated 2025-12-26.

Conditions:
Hereditary cancer-predisposing syndrome. Also called: Tumor predisposition; Hereditary neoplastic syndrome; Hereditary Cancer Syndrome; Neoplastic Syndromes, Hereditary. Identifiers: Orphanet 140162, MedGen C0027672, MeSH D009386, MONDO:0015356.
Birt-Hogg-Dube syndrome. Also called: Birt Hogg Dubé syndrome. Identifiers: Orphanet 122, MedGen C0346010, MONDO:0800444.

Submissions (2):

Ambry Genetics
Classification: Uncertain significance for Hereditary cancer-predisposing syndrome. Last evaluated: 2025-12-26. Review status: criteria provided, single submitter. Criteria: Ambry Variant Classification Scheme 2023. Collection method: clinical testing. Allele origin: germline.
Comment: The p.R446S variant (also known as c.1336C>A), located in coding exon 9 of the FLCN gene, results from a C to A substitution at nucleotide position 1336. The arginine at codon 446 is replaced by serine, an amino acid with dissimilar properties. This amino acid position is conserved. In addition, the in silico prediction for this alteration is inconclusive. Based on the available evidence, the clinical significance of this variant remains unclear.

Labcorp Genetics (formerly Invitae), Labcorp
Classification: Uncertain significance for Birt-Hogg-Dube syndrome. Last evaluated: 2019-09-19. Review status: criteria provided, single submitter. Criteria: Invitae Variant Classification Sherloc (09022015). Collection method: clinical testing. Allele origin: germline.
Comment: In summary, the available evidence is currently insufficient to determine the role of this variant in disease. Therefore, it has been classified as a Variant of Uncertain Significance. Algorithms developed to predict the effect of missense changes on protein structure and function are either unavailable or do not agree on the potential impact of this missense change (SIFT: "Deleterious"; PolyPhen-2: "Benign"; Align-GVGD: "Class C0"). This variant has not been reported in the literature in individuals with FLCN-related conditions. This variant is not present in population databases (ExAC no frequency). This sequence change replaces arginine with serine at codon 446 of the FLCN protein (p.Arg446Ser). The arginine residue is highly conserved and there is a moderate physicochemical difference between arginine and serine.

NM_144997.7(FLCN):c.1336C>A (p.Arg446Ser)

Gene: FLCN (folliculin; minus strand). Cytogenetic location: 17p11.2.
Variant type: single nucleotide variant.
Coding change: c.1336C>A on transcript NM_144997.7 (MANE Select); coding-DNA position 1336, C replaced by A.
Protein change: p.Arg446Ser; replaces arginine 446 with serine.
Molecular consequence: missense variant.
Genome position (GRCh38, 1-based): chr17:17,215,281, G>T on the plus strand (C>A on the coding strand, the complement: FLCN is on the minus strand). VCF-style: chr17-17215281-G-T. GRCh37 (hg19) VCF-style: chr17-17118595-G-T.
Other names: c.1390C>A, p.Arg464Ser (NM_001353229.2); c.1336C>A, p.Arg446Ser (NM_001353230.2, NM_001353231.2); short protein forms R446S, R464S.
Identifiers: ClinVar variation 961811 (VCV000961811.8), dbSNP rs200724468, ClinGen allele CA398531434.